The following is an entry in ClinVar:

ClinVar aggregate classification (germline): Pathogenic (1 of 4 stars; one submission).

Submission:

Labcorp Genetics (formerly Invitae), Labcorp
Classification: Pathogenic. Last evaluated: 2023-05-01. Review status: criteria provided, single submitter. Criteria: Invitae Variant Classification Sherloc (09022015). Collection method: clinical testing. Allele origin: germline.
Comment: For these reasons, this variant has been classified as Pathogenic. This variant disrupts a region of the GCM2 protein in which other variant(s) (p.Thr370Met) have been determined to be pathogenic (PMID: 19940031, 25137426). This suggests that this is a clinically significant region of the protein, and that variants that disrupt it are likely to be disease-causing. ClinVar contains an entry for this variant (Variation ID: 2417241). This variant has not been reported in the literature in individuals affected with GCM2-related conditions. This variant is not present in population databases (gnomAD no frequency). This sequence change creates a premature translational stop signal (p.Tyr368*) in the GCM2 gene. While this is not anticipated to result in nonsense mediated decay, it is expected to disrupt the last 139 amino acid(s) of the GCM2 protein.

Literature cited by the submitters: PubMed 19940031; PubMed 25137426.

NM_004752.4(GCM2):c.1104C>A (p.Tyr368Ter)

Gene: GCM2 (glial cells missing transcription factor 2; minus strand). Cytogenetic location: 6p24.2.
Variant type: single nucleotide variant.
Coding change: c.1104C>A on transcript NM_004752.4 (MANE Select); coding-DNA position 1104, C replaced by A.
Protein change: p.Tyr368Ter; replaces tyrosine 368 with a stop codon.
Molecular consequence: nonsense.
Genome position (GRCh38, 1-based): chr6:10,874,412, G>T on the plus strand (C>A on the coding strand, the complement: GCM2 is on the minus strand). VCF-style: chr6-10874412-G-T. GRCh37 (hg19) VCF-style: chr6-10874645-G-T.
Other names: short protein forms Y368*.
Identifiers: ClinVar variation 2417241 (VCV002417241.6), dbSNP rs1037528846, ClinGen allele CA134129818.